The following is an entry in ClinVar:

ClinVar aggregate classification (germline): Pathogenic (1 of 4 stars; one submission).

Conditions:
Hereditary angioedema type 1 (HAE1). Identifiers: Orphanet 100050, Orphanet 100051, Orphanet 91378, MedGen C2717906, MONDO:0015053, OMIM 106100.

Submission:

Department of Immunology and Histocompatibility, University of Thessaly
Classification: Pathogenic for Hereditary angioedema type 1. Review status: criteria provided, single submitter. Criteria: ACMG Guidelines, 2015. Collection method: clinical testing. Allele origin: germline. Affected: yes. Observed: 1 variant allele.
Comment: The c.342_345delTACC (Thr115Serfs*32) has not been previously reported, to our knowledge, in the literature in association with hereditary angioedema. It causes the interruption of the reading frame by the formation of a termination codon (*32aa). The variant has never been detected in controls in approximately 120000 individuals of the Exome Aggregation Consortium (ExAC) nor submitted in public databases, indicating that it is not a common variant. Taking all the above into account and according to ACMG Guidelines (Criteria: PVS1, PM2, PM4, PP4) the variant is considered pathogenic.

NM_000062.3(SERPING1):c.342_345del (p.Thr115fs)

Gene: SERPING1 (serpin family G member 1; plus strand). Cytogenetic location: 11q12.1.
Variant type: Deletion.
Coding change: c.342_345del on transcript NM_000062.3 (MANE Select); coding-DNA positions 342 to 345, 4 bases deleted (TACC; older notation c.342_345delTACC).
Protein change: p.Thr115fs; shifts the reading frame from threonine 115.
Molecular consequence: frameshift variant.
Genome position (GRCh38, 1-based): chr11:57,600,169-57,600,172, TACC deleted; deleting any 4 consecutive bases within chr11:57,600,167-57,600,172 gives the same sequence; the c. name uses the placement nearest the transcript's 3' end. VCF-style (leftmost placement, unchanged base first): chr11-57600166-TCCTA-T. GRCh37 (hg19) VCF-style: chr11-57367639-TCCTA-T.
Other names: c.342_345del, p.Thr115fs (NM_001032295.2); c.342_345delTACC (NM_000062.2); short protein forms T115fs.
Identifiers: ClinVar variation 626351 (VCV000626351.2), dbSNP rs1565169621, ClinGen allele CA913190267.